The following is an entry in ClinVar:

NM_000292.3(PHKA2):c.1099C>T (p.Arg367Cys)

Gene: PHKA2 (phosphorylase kinase regulatory subunit alpha 2; minus strand). Cytogenetic location: Xp22.13.
Variant type: single nucleotide variant.
Coding change: c.1099C>T on transcript NM_000292.3 (MANE Select); coding-DNA position 1099, C replaced by T.
Protein change: p.Arg367Cys; replaces arginine 367 with cysteine.
Molecular consequence: missense variant.
Genome position (GRCh38, 1-based): chrX:18,936,093, G>A on the plus strand (C>T on the coding strand, the complement: PHKA2 is on the minus strand). VCF-style: chrX-18936093-G-A. GRCh37 (hg19) VCF-style: chrX-18954211-G-A.
Other names: short protein forms R367C.
Identifiers: ClinVar variation 948885 (VCV000948885.9), dbSNP rs1287580250, ClinGen allele CA412395381.

ClinVar aggregate classification (germline): Uncertain significance (1 of 4 stars; one submission).

Conditions:
Glycogen storage disease IXa1. Also called: LIVER GLYCOGENOSIS, X-LINKED, TYPE I; GLYCOGEN STORAGE DISEASE VIII; GSD VIII; Glycogen storage disease 8. Identifiers: Orphanet 264580, MedGen C3694531, MONDO:0010598, OMIM 306000.

Allele frequency attached by ClinVar (database versions not stated): gnomAD exomes below 0.00001 and 0.00001; TOPMed 0.00002.
gnomAD v4.1: 4 of 1,209,043 alleles (0.00033%); highest among the groups gnomAD compares: East Asian, 0.003%; no homozygotes.

Submission:

Labcorp Genetics (formerly Invitae), Labcorp
Classification: Uncertain significance for Glycogen storage disease IXa1. Last evaluated: 2025-01-06. Review status: criteria provided, single submitter. Criteria: Invitae Variant Classification Sherloc (09022015). Collection method: clinical testing. Allele origin: germline.
Comment: This sequence change replaces arginine, which is basic and polar, with cysteine, which is neutral and slightly polar, at codon 367 of the PHKA2 protein (p.Arg367Cys). This variant is present in population databases (no rsID available, gnomAD 0.008%). This variant has not been reported in the literature in individuals affected with PHKA2-related conditions. ClinVar contains an entry for this variant (Variation ID: 948885). Invitae Evidence Modeling of protein sequence and biophysical properties (such as structural, functional, and spatial information, amino acid conservation, physicochemical variation, residue mobility, and thermodynamic stability) indicates that this missense variant is not expected to disrupt PHKA2 protein function with a negative predictive value of 80%. In summary, the available evidence is currently insufficient to determine the role of this variant in disease. Therefore, it has been classified as a Variant of Uncertain Significance.